The following is an entry in ClinVar:

ClinVar aggregate classification (germline): Uncertain significance (1 of 4 stars; one submission).

Conditions:
Dilated cardiomyopathy 1DD (CMD1DD). Identifiers: Orphanet 154, MedGen C2750995, MONDO:0013168, OMIM 613172.

Submission:

Labcorp Genetics (formerly Invitae), Labcorp
Classification: Uncertain significance for Dilated cardiomyopathy 1DD. Last evaluated: 2022-03-22. Review status: criteria provided, single submitter. Criteria: Invitae Variant Classification Sherloc (09022015). Collection method: clinical testing. Allele origin: germline.
Comment: In summary, the available evidence is currently insufficient to determine the role of this variant in disease. Therefore, it has been classified as a Variant of Uncertain Significance. Advanced modeling of protein sequence and biophysical properties (such as structural, functional, and spatial information, amino acid conservation, physicochemical variation, residue mobility, and thermodynamic stability) performed at Invitae indicates that this missense variant is not expected to disrupt RBM20 protein function. This variant has not been reported in the literature in individuals affected with RBM20-related conditions. This variant is not present in population databases (gnomAD no frequency). This sequence change replaces leucine, which is neutral and non-polar, with proline, which is neutral and non-polar, at codon 947 of the RBM20 protein (p.Leu947Pro).

NM_001134363.3(RBM20):c.2840T>C (p.Leu947Pro)

Gene: RBM20 (RNA binding motif protein 20; plus strand). Cytogenetic location: 10q25.2.
Variant type: single nucleotide variant.
Coding change: c.2840T>C on transcript NM_001134363.3 (MANE Select); coding-DNA position 2840, T replaced by C.
Protein change: p.Leu947Pro; replaces leucine 947 with proline.
Molecular consequence: missense variant.
Genome position (GRCh38, 1-based): chr10:110,821,459, T>C. VCF-style: chr10-110821459-T-C. GRCh37 (hg19) VCF-style: chr10-112581217-T-C.
Other names: short protein forms L947P.
Identifiers: ClinVar variation 2059651 (VCV002059651.4), dbSNP rs2493493764, ClinGen allele CA378377937.
Genomic context (GRCh38, chr10:110,821,459, plus strand): 5'-CAGAGCTGGAAGAAATTGTGCCCATTGACCAGAAAGACAAAATTTGCCCAGAAACATGTC[T>C]GTGTGTGACAACCACCTTAGACTTAGACCTGGCCCAGGATTTCCCCAAGGAAGGAGTCAA-3'
Protein context (NP_001127835.2, residues 937-957): QKDKICPETC[Leu947Pro]CVTTTLDLDL